The following is an entry in ClinVar:

NM_001111125.3(IQSEC2):c.2645dup (p.Ile883fs)

Gene: IQSEC2 (IQ motif and Sec7 domain ArfGEF 2; minus strand). Cytogenetic location: Xp11.22.
Variant type: Duplication.
Coding change: c.2645dup on transcript NM_001111125.3 (MANE Select); coding-DNA position 2645, one base duplicated (T; older notation c.2645dupT).
Protein change: p.Ile883fs; shifts the reading frame from isoleucine 883.
Molecular consequence: frameshift variant.
Genome position (GRCh38, 1-based): chrX:53,247,073, A duplicated on the plus strand (T on the coding strand, the reverse complement: IQSEC2 is on the minus strand); the first of 2 consecutive A bases (chrX:53,247,073-53,247,074); duplicating either gives the same sequence. VCF-style (leftmost placement, unchanged base first): chrX-53247072-G-GA. GRCh37 (hg19) VCF-style: chrX-53276254-G-GA.
Other names: c.2030dup, p.Ile678fs (NM_015075.2); short protein forms I678fs, I883fs.
Identifiers: ClinVar variation 817993 (VCV000817993.1), dbSNP rs1602277592, ClinGen allele CA915951128.
Genomic context (GRCh38, chrX:53,247,072, plus strand): 5'-AGCTTTGACGCTGGGACTGTACATGTCGGTATTGAGGAGGATGATGGCAAAAGCAAGGAT[G>GA]AAGATGGTGTCTGGGTTCCGGAACTGGCGCACGAGGGCTGGGTTACAGACACAGTACCGC-3'

ClinVar aggregate classification (germline): Pathogenic (1 of 4 stars; one submission).

Submission:

GeneDx
Classification: Pathogenic. Last evaluated: 2019-01-17. Review status: criteria provided, single submitter. Criteria: GeneDx Variant Classification (06012015). Collection method: clinical testing. Allele origin: germline. Affected: yes.
Comment: The c.2645dupT variant in the IQSEC2 gene has not been published as a pathogenic variant, nor has it been reported as a benign variant to our knowledge. The c.2645dupT variant causes a frameshift starting with codon Isoleucine 883, changes this amino acid to a Histidine residue and creates a premature Stop codon at position 21 of the new reading frame, denoted p.Ile883HisfsX21. This variant is predicted to cause loss of normal protein function either through protein truncation or nonsense-mediated mRNA decay. The c.2645dupT variant is not observed in large population cohorts (Lek et al., 2016). Therefore, c.2645dupT is considered a pathogenic variant and its presence is consistent with an IQSEC2-related disorder.